The following is an entry in ClinVar:

NM_016474.5(CCDC174):c.1287C>T (p.His429=)

Genes: CCDC174 (coiled-coil domain containing 174; plus strand), LOC126806614 (BRD4-independent group 4 enhancer GRCh37_chr3:14712491-14713690; plus strand). Cytogenetic location: 3p25.1.
Variant type: single nucleotide variant.
Coding change: c.1287C>T on transcript NM_016474.5 (MANE Select); coding-DNA position 1287, C replaced by T.
Protein change: p.His429=; no amino-acid change (histidine 429 retained).
Molecular consequence: synonymous variant. On other transcripts: non-coding transcript variant (1).
Genome position (GRCh38, 1-based): chr3:14,671,077, C>T. VCF-style: chr3-14671077-C-T. GRCh37 (hg19) VCF-style: chr3-14712584-C-T.
Other names: c.1059C>T, p.His353= (NM_001410719.1).
Identifiers: ClinVar variation 4681534 (VCV004681534.5).

ClinVar aggregate classification (germline): Likely benign (1 of 4 stars; one submission).

gnomAD v4.1: 20 of 1,614,090 alleles (0.0012%); highest among the groups gnomAD compares: Admixed American, 0.025%; no homozygotes.

Submission:

CeGaT Center for Human Genetics Tuebingen
Classification: Likely benign. Last evaluated: 2025-12-01. Review status: criteria provided, single submitter. Criteria: CeGaT Center For Human Genetics Tuebingen Variant Classification Criteria Version 2. Collection method: clinical testing. Allele origin: germline. Affected: yes. Observed: 1 variant allele.
Comment: CCDC174: BP4, BP7